The following is an entry in ClinVar:

NM_003119.4(SPG7):c.1553-2A>G

Gene: SPG7 (SPG7 matrix AAA peptidase subunit, paraplegin; plus strand). Cytogenetic location: 16q24.3.
Variant type: single nucleotide variant.
Coding change: c.1553-2A>G on transcript NM_003119.4 (MANE Select); the canonical splice acceptor site of the intron before coding-DNA position 1553, A replaced by G.
Molecular consequence: splice acceptor variant.
Genome position (GRCh38, 1-based): chr16:89,548,001, A>G. VCF-style: chr16-89548001-A-G. GRCh37 (hg19) VCF-style: chr16-89614409-A-G.
Other names: c.1553-2A>G (NM_001363850.1).
Identifiers: ClinVar variation 576145 (VCV000576145.54), dbSNP rs1229749476, ClinGen allele CA397427369.

ClinVar aggregate classification (germline): Pathogenic/Likely pathogenic. Review status: criteria provided, multiple submitters, no conflicts (2 of 4 stars). 3 submissions from 3 submitters: Pathogenic (2); Likely pathogenic (1). Last evaluated 2026-04-07.

Conditions:
Hereditary spastic paraplegia 7 (SPG7). Also called: SPG7-related neurologic disorder; Spastic paraplegia 7; Hereditary spastic paraplegia Paraplegin type; Autosomal recessive spastic paraplegia type 7; SPASTIC PARAPLEGIA 7, AUTOSOMAL RECESSIVE, WITH OR WITHOUT CEREBELLAR ATAXIA. Identifiers: Orphanet 99013, MedGen C1846564, MONDO:0011803, OMIM 607259.

Allele frequency attached by ClinVar (database versions not stated): gnomAD exomes 0.00001; gnomAD 0.00003.
gnomAD v4.1: 4 of 1,611,834 alleles (0.00025%); highest among the groups gnomAD compares: East Asian, 0.0022%; no homozygotes.

Submissions (3):

GeneDx
Classification: Likely pathogenic. Last evaluated: 2026-04-07. Review status: criteria provided, single submitter. Criteria: GeneDx Variant Classification Process June 2021. Collection method: clinical testing. Allele origin: germline.
Comment: Canonical splice site variant predicted to result in an in-frame loss of the adjacent exon in a gene for which loss of function is a known mechanism of disease; Not observed at significant frequency in large population cohorts (gnomAD); Has not been previously published as pathogenic or benign to our knowledge; This variant is associated with the following publications: (PMID: 22571692)

Labcorp Genetics (formerly Invitae), Labcorp
Classification: Pathogenic for Hereditary spastic paraplegia 7. Last evaluated: 2025-06-11. Review status: criteria provided, single submitter. Criteria: Invitae Variant Classification Sherloc (09022015). Collection method: clinical testing. Allele origin: germline.
Comment: This sequence change affects an acceptor splice site in intron 11 of the SPG7 gene. It is expected to disrupt RNA splicing. Variants that disrupt the donor or acceptor splice site typically lead to a loss of protein function (PMID: 16199547), and loss-of-function variants in SPG7 are known to be pathogenic (PMID: 21623769, 22964162). This variant is present in population databases (no rsID available, gnomAD 0.007%). Disruption of this splice site has been observed in individual(s) with spastic paraplegia (internal data). In at least one individual the data is consistent with being in trans (on the opposite chromosome) from a pathogenic variant. ClinVar contains an entry for this variant (Variation ID: 576145). Algorithms developed to predict the effect of sequence changes on RNA splicing suggest that this variant may disrupt the consensus splice site. For these reasons, this variant has been classified as Pathogenic.

CeGaT Center for Human Genetics Tuebingen
Classification: Pathogenic. Last evaluated: 2019-03-01. Review status: criteria provided, single submitter. Criteria: CeGaT Center For Human Genetics Tuebingen Variant Classification Criteria Version 2. Collection method: clinical testing. Allele origin: germline. Affected: yes. Observed: 1 variant allele.

Literature cited by the submitters: PubMed 16199547 (cited by Labcorp Genetics (formerly Invitae), Labcorp); PubMed 21623769 (cited by Labcorp Genetics (formerly Invitae), Labcorp); PubMed 22964162 (cited by Labcorp Genetics (formerly Invitae), Labcorp).